The following is an entry in ClinVar:

NM_001382430.1(AKT1):c.236_243delinsGGATGACCTGTCATCGCATG (p.Gln79_Thr81delinsArgMetThrCysHisArgMet)

Gene: AKT1 (AKT serine/threonine kinase 1; minus strand). Cytogenetic location: 14q32.33.
Variant type: Indel.
Coding change: c.236_243delinsGGATGACCTGTCATCGCATG on transcript NM_001382430.1 (MANE Select); coding-DNA positions 236 to 243, AGTGGACC replaced by GGATGACCTGTCATCGCATG.
Protein change: p.Gln79_Thr81delinsArgMetThrCysHisArgMet.
Molecular consequence: inframe indel.
Genome position (GRCh38, 1-based): chr14:104,776,703-104,776,710, GGTCCACT replaced by CATGCGATGACAGGTCATCC on the plus strand (AGTGGACC replaced by GGATGACCTGTCATCGCATG on the coding strand, the reverse complement: AKT1 is on the minus strand). VCF-style: chr14-104776703-GGTCCACT-CATGCGATGACAGGTCATCC. GRCh37 (hg19) VCF-style: chr14-105243040-GGTCCACT-CATGCGATGACAGGTCATCC.
Other names: c.236_243delinsGGATGACCTGTCATCGCATG, p.Gln79_Thr81delinsArgMetThrCysHisArgMet (NM_001014431.2, NM_001014432.2, NM_001382431.1 and 3 more transcripts).
Identifiers: ClinVar variation 4530182 (VCV004530182.1).

ClinVar aggregate classification (somatic clinical impact): Tier I - Strong (1 of 4 stars; one submission).

Conditions:
Sclerosing pneumocytoma. Identifiers: MedGen C1334455.

Submission:

Institute for Genomic Medicine (IGM) Clinical Laboratory, Nationwide Children's Hospital
Classification: Tier I - Strong for Sclerosing pneumocytoma. Assertion type: diagnostic. Clinical significance: supports diagnosis. Last evaluated: 2024-04-16. Review status: criteria provided, single submitter. Criteria: AMP/ASCO/CAP Guidelines, 2017. Collection method: clinical testing. Allele origin: somatic. Affected: yes.
Comment: Variant has Tier I (strong) clinical significance as a diagnostic inclusion criterion in Sclerosing pneumocytoma, based on the following evidence: 1) Diagnostic for a specific tumor type/classification based on well-powered studies with expert-level consensus (Evidence Level B; PMIDs: 31527710, 32317291, 33145590, 36966952, 3784487).

Literature cited by the submitters: PubMed 31527710; PubMed 32317291; PubMed 33145590; PubMed 36966952; PubMed 3784487.